The following is an entry in ClinVar:

ClinVar aggregate classification (germline): Uncertain significance. Review status: criteria provided, multiple submitters, no conflicts (2 of 4 stars). 2 submissions from 2 submitters: Uncertain significance (2). Last evaluated 2025-06-24.

Allele frequency attached by ClinVar (database versions not stated): gnomAD 0.00002; gnomAD exomes 0.00002; TOPMed 0.00003; ExAC 0.00007; ESP Exome Variant Server 0.00008.
gnomAD v4.1: 34 of 1,614,006 alleles (0.0021%); highest among the groups gnomAD compares: Admixed American, 0.035%; no homozygotes.

Submissions (2):

Ambry Genetics
Classification: Uncertain significance. Last evaluated: 2025-06-24. Review status: criteria provided, single submitter. Criteria: Ambry Variant Classification Scheme 2023. Collection method: clinical testing. Allele origin: germline.

Labcorp Genetics (formerly Invitae), Labcorp
Classification: Uncertain significance. Last evaluated: 2024-01-04. Review status: criteria provided, single submitter. Criteria: Invitae Variant Classification Sherloc (09022015). Collection method: clinical testing. Allele origin: germline.
Comment: This sequence change replaces asparagine, which is neutral and polar, with serine, which is neutral and polar, at codon 320 of the KIF23 protein (p.Asn320Ser). This variant is present in population databases (rs138116206, gnomAD 0.05%), and has an allele count higher than expected for a pathogenic variant. This variant has not been reported in the literature in individuals affected with KIF23-related conditions. ClinVar contains an entry for this variant (Variation ID: 2201949). Algorithms developed to predict the effect of missense changes on protein structure and function output the following: SIFT: "Not Available"; PolyPhen-2: "Benign"; Align-GVGD: "Not Available". The serine amino acid residue is found in multiple mammalian species, which suggests that this missense change does not adversely affect protein function. In summary, the available evidence is currently insufficient to determine the role of this variant in disease. Therefore, it has been classified as a Variant of Uncertain Significance.

NM_001367805.3(KIF23):c.1001A>G (p.Asn334Ser)

Gene: KIF23 (kinesin family member 23; plus strand). Cytogenetic location: 15q23.
Variant type: single nucleotide variant.
Coding change: c.1001A>G on transcript NM_001367805.3 (MANE Select); coding-DNA position 1001, A replaced by G.
Protein change: p.Asn334Ser; replaces asparagine 334 with serine.
Molecular consequence: missense variant. On other transcripts: non-coding transcript variant (2).
Genome position (GRCh38, 1-based): chr15:69,426,447, A>G. VCF-style: chr15-69426447-A-G. GRCh37 (hg19) VCF-style: chr15-69718786-A-G.
Other names: c.629A>G, p.Asn210Ser (NM_001281301.2); c.959A>G, p.Asn320Ser (NM_001367804.2, NM_004856.7, NM_138555.4); c.959A>G (NM_138555.2); short protein forms N210S, N320S, N334S.
Identifiers: ClinVar variation 2201949 (VCV002201949.5), dbSNP rs138116206, ClinGen allele CA7635038.